The following is an entry in ClinVar:

NM_001927.4(DES):c.785A>T (p.Glu262Val)

Gene: DES (desmin; plus strand). Cytogenetic location: 2q35.
Variant type: single nucleotide variant.
Coding change: c.785A>T on transcript NM_001927.4 (MANE Select); coding-DNA position 785, A replaced by T.
Protein change: p.Glu262Val; replaces glutamic acid 262 with valine.
Molecular consequence: missense variant.
Genome position (GRCh38, 1-based): chr2:219,420,544, A>T. VCF-style: chr2-219420544-A-T. GRCh37 (hg19) VCF-style: chr2-220285266-A-T.
Other names: p.E262V:GAG>GTG; short protein forms E262V.
Identifiers: ClinVar variation 44270 (VCV000044270.39), dbSNP rs147327878, ClinGen allele CA133873.

ClinVar aggregate classification (germline): Conflicting classifications of pathogenicity. Review status: criteria provided, conflicting classifications (1 of 4 stars). 15 submissions from 15 submitters: Uncertain significance (8); Likely benign (4). 3 of the submissions do not count toward it. Last evaluated 2026-02-01.

Conditions:
Cardiovascular phenotype. Identifiers: MedGen CN230736.
DES-related disorder. Also called: DES-related condition.
Desmin-related myofibrillar myopathy (MFM1). Also called: MYOFIBRILLAR MYOPATHY WITH ARRHYTHMOGENIC RIGHT VENTRICULAR CARDIOMYOPATHY; DESMIN-RELATED MYOPATHY WITH ARRHYTHMOGENIC RIGHT VENTRICULAR CARDIOMYOPATHY; Desminopathy; Desmin related myopathy (former name); Desmin storage myopathy (former name); Myofibrillar myopathy 1. Identifiers: Orphanet 363543, Orphanet 98909, MedGen C1832370, MONDO:0011076, OMIM 601419.
Cardiomyopathy (CMYO). Also called: Cardiomyopathies. Identifiers: Orphanet 167848, MedGen C0878544, MONDO:0004994, HP:0001638. Inheritance: Various modes of inheritance.

Allele frequency attached by ClinVar (database versions not stated): gnomAD exomes 0.00007 and 0.00018; ExAC 0.00022; ESP Exome Variant Server 0.00046; gnomAD 0.00074 and 0.00083; TOPMed 0.00089; 1000 Genomes Project 30x 0.00109; 1000 Genomes Project 0.00120.
gnomAD v4.1: 228 of 1,613,916 alleles (0.014%); highest among the groups gnomAD compares: African/African-American, 0.25%; no homozygotes.

Submissions (15):

Labcorp Genetics (formerly Invitae), Labcorp
Classification: Likely benign for Desmin-related myofibrillar myopathy. Last evaluated: 2026-02-01. Review status: criteria provided, single submitter. Criteria: Invitae Variant Classification Sherloc (09022015). Collection method: clinical testing. Allele origin: germline.

GeneDx
Classification: Uncertain significance. Last evaluated: 2025-10-25. Review status: criteria provided, single submitter. Criteria: GeneDx Variant Classification Process June 2021. Collection method: clinical testing. Allele origin: germline. Affected: yes.
Comment: Identified in patients with DCM in published literature (PMID: 24503780, 37652022); In silico analysis supports that this missense variant has a deleterious effect on protein structure/function; This variant is associated with the following publications: (PMID: 26807690, 29926427, 24503780, 37652022)

Mayo Clinic Laboratories, Mayo Clinic
Classification: Uncertain significance. Last evaluated: 2025-10-23. Review status: criteria provided, single submitter. Criteria: ACMG Guidelines, 2015. Collection method: clinical testing. Allele origin: germline. Observed: 2 variant alleles.
Comment: BS1, PP3_moderate

Women's Health and Genetics/Laboratory Corporation of America, LabCorp
Classification: Likely benign. Last evaluated: 2025-06-13. Review status: criteria provided, single submitter. Criteria: LabCorp Variant Classification Summary - May 2015. Collection method: clinical testing. Allele origin: germline.
Comment: Variant summary: DES c.785A>T (p.Glu262Val) results in a non-conservative amino acid change in the encoded protein sequence. Algorithms developed to predict the effect of missense changes on protein structure and function all suggest that this variant is likely to be disruptive. The variant allele was found at a frequency of 0.00025 in 280670 control chromosomes, predominantly at a frequency of 0.0026 within the African or African-American subpopulation in the gnomAD database. The observed variant frequency within African or African-American control individuals in the gnomAD database is approximately 1.04 fold of the estimated maximal expected allele frequency for a pathogenic variant in DES causing Autosomal Recessive Desminopathy phenotype (0.0025). To our knowledge, no occurrence of c.785A>T in individuals affected with Autosomal Recessive Desminopathy and no experimental evidence demonstrating its impact on protein function have been reported. ClinVar contains an entry for this variant (Variation ID: 44270). Based on the evidence outlined above, the variant was classified as likely benign.

Revvity Omics, Revvity
Classification: Uncertain significance. Last evaluated: 2025-06-05. Review status: criteria provided, single submitter. Criteria: ACMG Guidelines, 2015. Collection method: clinical testing. Allele origin: germline.

Molecular Diagnostic Laboratory for Inherited Cardiovascular Disease, Montreal Heart Institute
Classification: Uncertain significance for Cardiovascular phenotype. Last evaluated: 2025-04-09. Review status: criteria provided, single submitter. Criteria: ACMG Guidelines, 2015. Collection method: clinical testing. Allele origin: germline. Affected: yes.

ARUP Laboratories, Molecular Genetics and Genomics, ARUP Laboratories
Classification: Uncertain significance. Last evaluated: 2024-06-21. Review status: criteria provided, single submitter. Criteria: ARUP Molecular Germline Variant Investigation Process 2024. Collection method: clinical testing. Allele origin: germline.
Comment: The DES c.785A>T; p.Glu262Val variant (rs147327878, ClinVar Variation ID: 44270) is reported in an individual with reduced ejection fraction and arrhythmia who also has a family history of cardiomyopathy and sudden death (Pugh 2014). This variant is observed in the African/African American population with an allele frequency of 0.26% (64/24820 alleles) in the Genome Aggregation Database (v2.1.1). Computational analyses predict that this variant is deleterious (REVEL: 0.855). Due to limited information, the clinical significance of this variant is uncertain at this time. References: Pugh TJ et al. The landscape of genetic variation in dilated cardiomyopathy as surveyed by clinical DNA sequencing. Genet Med. 2014 Aug;16(8):601-8. PMID: 24503780.

Athena Diagnostics
Classification: Uncertain significance. Last evaluated: 2024-03-07. Review status: criteria provided, single submitter. Criteria: Athena Diagnostics Criteria. Collection method: clinical testing. Allele origin: unknown.
Comment: Available data are insufficient to determine the clinical significance of the variant at this time. The frequency of this variant in the general population is higher than would generally be expected for pathogenic variants in this gene. Computational tools predict that this variant is damaging.

CHEO Genetics Diagnostic Laboratory, Children's Hospital of Eastern Ontario
Classification: Likely benign for Cardiomyopathy. Last evaluated: 2023-04-24. Review status: criteria provided, single submitter. Criteria: ACMG Guidelines, 2015. Collection method: clinical testing. Allele origin: germline.

Ambry Genetics
Classification: Likely benign for Cardiovascular phenotype. Last evaluated: 2019-02-27. Review status: criteria provided, single submitter. Criteria: Ambry Variant Classification Scheme 2023. Collection method: clinical testing. Allele origin: germline.

Eurofins Ntd Llc (ga)
Classification: Uncertain significance. Last evaluated: 2018-01-07. Review status: criteria provided, single submitter. Criteria: EGL Classification Definitions 2015. Collection method: clinical testing. Allele origin: germline. Observed: 5 variant alleles, 5 heterozygotes.

Laboratory for Molecular Medicine, Mass General Brigham Personalized Medicine
Classification: Uncertain significance. Last evaluated: 2016-08-14. Review status: criteria provided, single submitter. Criteria: LMM Criteria. Collection method: clinical testing. Allele origin: germline. Observed: 4 variant alleles.
Comment: Variant classified as Uncertain Significance - Favor Benign. The p.Glu262Val var iant in DES has been identified by our laboratory in 3 African American individu als with features of DCM but is also present in 0.2% (25/10192) of African chrom osomes in the Exome Aggregation Consortium database (ExAC; dbSNP rs147327878). Computational prediction tools and conservation a nalysis suggest that the p.Glu262Val variant may impact the protein, though this information is not predictive enough to determine pathogenicity. In summary, wh ile the clinical significance of the p.Glu262Val variant is uncertain, its frequ ency suggests that it is more likely to be benign.

PreventionGenetics, part of Exact Sciences
Classification: Likely benign for DES-related condition. Last evaluated: 2022-04-06. Review status: no assertion criteria provided. Collection method: clinical testing. Allele origin: germline. Not counted in ClinVar's aggregate classification.
Comment: This variant is classified as likely benign based on ACMG/AMP sequence variant interpretation guidelines (Richards et al. 2015 PMID: 25741868, with internal and published modifications).

Clinical Genetics DNA and cytogenetics Diagnostics Lab, Erasmus MC, Erasmus Medical Center
Classification: Benign. Review status: no assertion criteria provided. Collection method: clinical testing. Allele origin: germline. Affected: yes. Study: VKGL Data-share Consensus. Not counted in ClinVar's aggregate classification.

Clinical Genetics, Academic Medical Center
Classification: Likely benign. Review status: no assertion criteria provided. Collection method: clinical testing. Allele origin: germline. Affected: yes. Study: VKGL Data-share Consensus. Not counted in ClinVar's aggregate classification.

Literature cited by the submitters: PubMed 37652022 (cited by Mayo Clinic Laboratories, Mayo Clinic); PubMed 24503780 (cited by Athena Diagnostics and Ambry Genetics); PubMed 29926427 (cited by Ambry Genetics).